The following is an entry in ClinVar:

ClinVar aggregate classification (germline): Uncertain significance. Review status: criteria provided, multiple submitters, no conflicts (2 of 4 stars). 2 submissions from 2 submitters: Uncertain significance (2). Last evaluated 2023-11-07.

Conditions:
Maple syrup urine disease (MSUD). Identifiers: Orphanet 511, MedGen C0024776, MeSH D008375, MONDO:0009563. Disease mechanism: loss of function.

Submissions (2):

Labcorp Genetics (formerly Invitae), Labcorp
Classification: Uncertain significance for Maple syrup urine disease. Last evaluated: 2023-11-07. Review status: criteria provided, single submitter. Criteria: Invitae Variant Classification Sherloc (09022015). Collection method: clinical testing. Allele origin: germline.
Comment: This sequence change falls in intron 1 of the BCKDHB gene. It does not directly change the encoded amino acid sequence of the BCKDHB protein. It affects a nucleotide within the consensus splice site. This variant is not present in population databases (gnomAD no frequency). This variant has been observed in individual(s) with maple syrup urine disease (Invitae). In at least one individual the data is consistent with being in trans (on the opposite chromosome) from a pathogenic variant. ClinVar contains an entry for this variant (Variation ID: 96571). Variants that disrupt the consensus splice site are a relatively common cause of aberrant splicing (PMID: 17576681, 9536098). Algorithms developed to predict the effect of sequence changes on RNA splicing suggest that this variant may disrupt the consensus splice site. In summary, the available evidence is currently insufficient to determine the role of this variant in disease. Therefore, it has been classified as a Variant of Uncertain Significance.

Eurofins Ntd Llc (ga)
Classification: Uncertain significance. Last evaluated: 2015-03-25. Review status: criteria provided, single submitter. Criteria: EGL Classification Definitions 2015. Collection method: clinical testing. Allele origin: germline. Observed: 1 variant allele, 1 heterozygote.

Literature cited by the submitters: PubMed 17576681 (cited by Labcorp Genetics (formerly Invitae), Labcorp); PubMed 9536098 (cited by Labcorp Genetics (formerly Invitae), Labcorp).

NM_183050.4(BCKDHB):c.196+5G>A

Gene: BCKDHB (branched chain keto acid dehydrogenase E1 subunit beta; plus strand). Cytogenetic location: 6q14.1.
Variant type: single nucleotide variant.
Coding change: c.196+5G>A on transcript NM_183050.4 (MANE Select); 5 bases into the intron after coding-DNA position 196, G replaced by A.
Molecular consequence: intron variant.
Genome position (GRCh38, 1-based): chr6:80,106,894, G>A. VCF-style: chr6-80106894-G-A. GRCh37 (hg19) VCF-style: chr6-80816611-G-A.
Other names: c.-15+211G>A (NM_001318975.1); c.196+5G>A (NM_000056.5).
Identifiers: ClinVar variation 96571 (VCV000096571.8), dbSNP rs398124568, ClinGen allele CA224262.